The following is an entry in ClinVar:

ClinVar aggregate classification (germline): Pathogenic (1 of 4 stars; one submission).

Conditions:
Rhabdoid tumor predisposition syndrome 2 (RTPS2). Identifiers: Orphanet 231108, Orphanet 69077, MedGen C2750074, MONDO:0013224, OMIM 613325.

Submission:

Labcorp Genetics (formerly Invitae), Labcorp
Classification: Pathogenic for Rhabdoid tumor predisposition syndrome 2. Last evaluated: 2023-03-20. Review status: criteria provided, single submitter. Criteria: Invitae Variant Classification Sherloc (09022015). Collection method: clinical testing. Allele origin: germline.
Comment: This sequence change creates a premature translational stop signal (p.Gln987*) in the SMARCA4 gene. It is expected to result in an absent or disrupted protein product. Loss-of-function variants in SMARCA4 are known to be pathogenic (PMID: 24658001, 24658002). This variant is not present in population databases (gnomAD no frequency). This variant has not been reported in the literature in individuals affected with SMARCA4-related conditions. For these reasons, this variant has been classified as Pathogenic.

Literature cited by the submitters: PubMed 24658001; PubMed 24658002.

NM_003072.5(SMARCA4):c.2959C>T (p.Gln987Ter)

Gene: SMARCA4 (SWI/SNF related BAF chromatin remodeling complex subunit ATPase 4; plus strand). Cytogenetic location: 19p13.2.
Variant type: single nucleotide variant.
Coding change: c.2959C>T on transcript NM_003072.5 (MANE Select); coding-DNA position 2959, C replaced by T.
Protein change: p.Gln987Ter; replaces glutamine 987 with a stop codon.
Molecular consequence: nonsense. On other transcripts: non-coding transcript variant (1).
Genome position (GRCh38, 1-based): chr19:11,023,617, C>T. VCF-style: chr19-11023617-C-T. GRCh37 (hg19) VCF-style: chr19-11134293-C-T.
Other names: c.2959C>T, p.Gln987Ter (NM_001128844.3, NM_001128845.2, NM_001128846.2 and 6 more transcripts); short protein forms Q987*.
Identifiers: ClinVar variation 2847706 (VCV002847706.3), dbSNP rs2146455415, ClinGen allele CA404057677.
Genomic context (GRCh38, chr19:11,023,617, plus strand): 5'-CGTCTCCACAAAGTGCTGCGGCCCTTCTTGCTCCGACGACTCAAGAAGGAAGTCGAGGCC[C>T]AGTTGCCCGAAAAGGTGATGGAGTTTTGAGGGGAGCCACCAGTGAAGCAGCCTCACGTGG-3'